The following is an entry in ClinVar:

ClinVar aggregate classification (germline): Uncertain significance. Review status: criteria provided, multiple submitters, no conflicts (2 of 4 stars). 2 submissions from 2 submitters: Uncertain significance (2). Last evaluated 2024-09-30.

Conditions:
Hereditary cancer-predisposing syndrome. Also called: Tumor predisposition; Hereditary neoplastic syndrome; Neoplastic Syndromes, Hereditary; Hereditary Cancer Syndrome. Identifiers: Orphanet 140162, MedGen C0027672, MeSH D009386, MONDO:0015356.
Familial cancer of breast. Also called: hereditary breast carcinoma; Hereditary breast cancer; BREAST CANCER, FAMILIAL. Identifiers: Orphanet 227535, MedGen C0346153, MONDO:0016419, OMIM 114480. Disease mechanism: loss of function.

Submissions (2):

Labcorp Genetics (formerly Invitae), Labcorp
Classification: Uncertain significance for Familial cancer of breast. Last evaluated: 2024-09-30. Review status: criteria provided, single submitter. Criteria: Invitae Variant Classification Sherloc (09022015). Collection method: clinical testing. Allele origin: germline.
Comment: This sequence change replaces aspartic acid, which is acidic and polar, with glycine, which is neutral and non-polar, at codon 409 of the CHEK2 protein (p.Asp409Gly). This variant is not present in population databases (gnomAD no frequency). This variant has not been reported in the literature in individuals affected with CHEK2-related conditions. ClinVar contains an entry for this variant (Variation ID: 818641). An algorithm developed to predict the effect of missense changes on protein structure and function (PolyPhen-2) suggests that this variant is likely to be disruptive. In summary, the available evidence is currently insufficient to determine the role of this variant in disease. Therefore, it has been classified as a Variant of Uncertain Significance.

Ambry Genetics
Classification: Uncertain significance for Hereditary cancer-predisposing syndrome. Last evaluated: 2021-03-19. Review status: criteria provided, single submitter. Criteria: Ambry Variant Classification Scheme 2023. Collection method: clinical testing. Allele origin: germline.
Comment: The p.D409G variant (also known as c.1226A>G), located in coding exon 10 of the CHEK2 gene, results from an A to G substitution at nucleotide position 1226. The aspartic acid at codon 409 is replaced by glycine, an amino acid with similar properties. This amino acid position is highly conserved in available vertebrate species. In addition, this alteration is predicted to be deleterious by in silico analysis. Since supporting evidence is limited at this time, the clinical significance of this alteration remains unclear.

NM_007194.4(CHEK2):c.1226A>G (p.Asp409Gly)

Gene: CHEK2 (checkpoint kinase 2; minus strand). Cytogenetic location: 22q12.1.
Variant type: single nucleotide variant.
Coding change: c.1226A>G on transcript NM_007194.4 (MANE Select); coding-DNA position 1226, A replaced by G.
Protein change: p.Asp409Gly; replaces aspartic acid 409 with glycine.
Molecular consequence: missense variant.
Genome position (GRCh38, 1-based): chr22:28,695,743, T>C on the plus strand (A>G on the coding strand, the complement: CHEK2 is on the minus strand). VCF-style: chr22-28695743-T-C. GRCh37 (hg19) VCF-style: chr22-29091731-T-C.
Other names: c.1355A>G, p.Asp452Gly (NM_001005735.3); c.563A>G, p.Asp188Gly (NM_001257387.3); c.1025A>G, p.Asp342Gly (NM_001349956.3); c.1139A>G, p.Asp380Gly (NM_145862.3); short protein forms D380G, D188G, D342G, D409G, D452G.
Identifiers: ClinVar variation 818641 (VCV000818641.6), dbSNP rs761095543, ClinGen allele CA411096668.